The following is an entry in ClinVar:

NM_024747.6(HPS6):c.60_64dup (p.Leu22fs)

Genes: HPS6 (HPS6 biogenesis of lysosomal organelles complex 2 subunit 3; plus strand), LOC130004578 (ATAC-STARR-seq lymphoblastoid silent region 2738; plus strand). Cytogenetic location: 10q24.32.
Variant type: Microsatellite.
Coding change: c.60_64dup on transcript NM_024747.6 (MANE Select); coding-DNA positions 60 to 64, 5 bases duplicated (GCGGC; older notation c.60_64dupGCGGC).
Protein change: p.Leu22fs; shifts the reading frame from leucine 22.
Molecular consequence: frameshift variant.
Genome position (GRCh38, 1-based): chr10:102,065,534-102,065,538, GCGGC duplicated; duplicating any 5 consecutive bases within chr10:102,065,524-102,065,538 gives the same sequence; the c. name uses the placement nearest the transcript's 3' end. VCF-style (leftmost placement, unchanged base first): chr10-102065523-G-GGCGGC. GRCh37 (hg19) VCF-style: chr10-103825280-G-GGCGGC.
Other names: c.60_64dup (NM_024747.5); c.60_64dupGCGGC (NM_024747.5); c.60_64dup5 (NM_024747.5); short protein forms L22fs.
Identifiers: ClinVar variation 1452276 (VCV001452276.16), dbSNP rs752399257, ClinGen allele CA5659734.

ClinVar aggregate classification (germline): Pathogenic/Likely pathogenic. Review status: criteria provided, multiple submitters, no conflicts (2 of 4 stars). 7 submissions from 7 submitters: Pathogenic (6); Likely pathogenic (1). Last evaluated 2025-10-21.

Conditions:
Hermansky-Pudlak syndrome 6 (HPS6). Identifiers: Orphanet 231512, Orphanet 79430, MedGen C3888007, MONDO:0013558, OMIM 614075.
HPS6-related disorders.
Hermansky-Pudlak syndrome (HPS). Also called: ALBINISM WITH HEMORRHAGIC DIATHESIS AND PIGMENTED RETICULOENDOTHELIAL CELLS. Identifiers: Orphanet 79430, MedGen C0079504, MONDO:0019312.
HPS6-related disorder. Also called: HPS6-related condition.

Submissions (7):

Labcorp Genetics (formerly Invitae), Labcorp
Classification: Pathogenic. Last evaluated: 2025-10-21. Review status: criteria provided, single submitter. Criteria: Invitae Variant Classification Sherloc (09022015). Collection method: clinical testing. Allele origin: germline.
Comment: This sequence change creates a premature translational stop signal (p.Leu22Argfs*33) in the HPS6 gene. While this is not anticipated to result in nonsense mediated decay, it is expected to disrupt the last 754 amino acid(s) of the HPS6 protein. This variant is present in population databases (rs752399257, gnomAD 0.004%). This premature translational stop signal has been observed in individual(s) with Hermansky–Pudlak syndrome (PMID: 27593200, 29054114, 30990103). This variant is also known as c.64_65insGCGGC. ClinVar contains an entry for this variant (Variation ID: 1452276). This variant disrupts a region of the HPS6 protein in which other variant(s) (p.Q680*) have been determined to be pathogenic (PMID: 27225848). This suggests that this is a clinically significant region of the protein, and that variants that disrupt it are likely to be disease-causing. For these reasons, this variant has been classified as Pathogenic.

Dasa
Classification: Likely pathogenic. Last evaluated: 2025-08-22. Review status: criteria provided, single submitter. Criteria: DASA Assertion Criteria. Collection method: clinical testing. Allele origin: germline.
Comment: NM_024747.6(HPS6):c.60_64dup (p.Leu22Argfs*33) is a frameshift variant in HPS6 predicted to alter the reading frame and introduce a premature termination codon and is predicted to result in an absent or altered protein product. Loss of function is an established disease mechanism for HPS6-associated disorders. Segregation data support an association with disease in the reported family/families (PMID: 30990103). This variant has been reported in individuals with HPS6-related disorders (PMID: 30990103). Also, this variant is rare in population databases. Based on the currently available evidence, this variant is classified as likely pathogenic.

PreventionGenetics, part of Exact Sciences
Classification: Pathogenic for HPS6-related condition. Last evaluated: 2025-01-22. Review status: criteria provided, single submitter. Criteria: ACMG Guidelines, 2015. Collection method: clinical testing. Allele origin: germline.
Comment: The HPS6 c.60_64dup5 variant is predicted to result in a frameshift and premature protein termination (p.Leu22Argfs*33). This variant has been reported in the homozygous and compound heterozygous states in individuals with Hermansky-Pudlak syndrome 6 (reported as c.65_65insGCGGC in Wei et al 2016. PubMed ID: 27593200; Okamura et al. 2017. PubMed ID: 29054114; Bastida et al. 2019. PubMed ID: 30990103). This variant is reported in 0.0036% of alleles in individuals of European (Non-Finnish) descent in gnomAD. Frameshift variants in HPS6 are expected to be pathogenic. Given the evidence, we interpret c.60_64dup (p.Leu22Argfs*33) as pathogenic.

Blueprint Genetics
Classification: Pathogenic for HPS6-related disorders. Last evaluated: 2024-08-06. Review status: criteria provided, single submitter. Criteria: ACMG Guidelines, 2015. Collection method: clinical testing. Allele origin: germline. Affected: yes. Observed: 5 variant alleles.

GeneDx
Classification: Pathogenic. Last evaluated: 2024-01-24. Review status: criteria provided, single submitter. Criteria: GeneDx Variant Classification Process June 2021. Collection method: clinical testing. Allele origin: germline. Affected: yes.
Comment: Frameshift variant predicted to result in abnormal protein length as the last 754 amino acids are replaced with 32 different amino acids, and other similar variants have been reported in HGMD; This variant is associated with the following publications: (PMID: 30990103, 33878481, 27593200, 29054114, 27535533, 35644009, 38091959, 32725903)

Women's Health and Genetics/Laboratory Corporation of America, LabCorp
Classification: Pathogenic for Hermansky-Pudlak syndrome. Last evaluated: 2023-03-27. Review status: criteria provided, single submitter. Criteria: LabCorp Variant Classification Summary - May 2015. Collection method: clinical testing. Allele origin: germline.
Comment: Variant summary: HPS6 c.60_64dupGCGGC (p.Leu22ArgfsX33) results in a frameshift and premature termination codon, predicted to cause a truncation of the encoded protein, a commonly known mechanism for disease. The variant allele was found at a frequency of 1.9e-05 in 155942 control chromosomes (gnomAD). c.60_64dupGCGGC has been reported in the literature as a biallelic genotype in multiple individuals affected with Hermansky-Pudlak Syndrome (e.g. Wei_2016, Okamura_2018, Bastida_2019). These data indicate that the variant is very likely to be associated with disease. To our knowledge, no experimental evidence demonstrating an impact on protein function has been reported. One clinical diagnostic laboratory has submitted a clinical-significance assessment for this variant to ClinVar after 2014 and classified the variant as pathogenic. Based on the evidence outlined above, the variant was classified as pathogenic.

Juno Genomics, Hangzhou Juno Genomics, Inc
Classification: Pathogenic for Hermansky-Pudlak syndrome 6. Review status: criteria provided, single submitter. Criteria: ACMG Guidelines, 2015. Collection method: clinical testing. Allele origin: germline.
Comment: Absent from controls (or at extremely low frequency if recessive) in Genome Aggregation Database.;Null variant in a gene where loss of function (LOF) is a known mechanism of disease.;For recessive disorders, detected in trans with a pathogenic variant.;Co-segregation with disease in multiple affected family members.;Patient's phenotype or family history is highly specific for a disease with a single genetic etiology.

Literature cited by the submitters: PubMed 27593200 (cited by Labcorp Genetics (formerly Invitae), Labcorp and Women's Health and Genetics/Laboratory Corporation of America, LabCorp); PubMed 29054114 (cited by Labcorp Genetics (formerly Invitae), Labcorp and Women's Health and Genetics/Laboratory Corporation of America, LabCorp); PubMed 30990103 (cited by 3 submitters); PubMed 27225848 (cited by Labcorp Genetics (formerly Invitae), Labcorp).